The following is an entry in ClinVar:

ClinVar aggregate classification (germline): Uncertain significance (1 of 4 stars; one submission).

Submission:

Ambry Genetics
Classification: Uncertain significance. Last evaluated: 2022-06-19. Review status: criteria provided, single submitter. Criteria: Ambry Variant Classification Scheme 2023. Collection method: clinical testing. Allele origin: germline.
Comment: The p.G882R variant (also known as c.2644G>A), located in coding exon 21 of the A2ML1 gene, results from a G to A substitution at nucleotide position 2644. The glycine at codon 882 is replaced by arginine, an amino acid with dissimilar properties. This amino acid position is conserved. In addition, this alteration is predicted to be tolerated by in silico analysis. Since supporting evidence is limited at this time, the clinical significance of this alteration remains unclear.

NM_144670.6(A2ML1):c.2644G>A (p.Gly882Arg)

Gene: A2ML1 (alpha-2-macroglobulin like 1; plus strand). Cytogenetic location: 12p13.31.
Variant type: single nucleotide variant.
Coding change: c.2644G>A on transcript NM_144670.6 (MANE Select); coding-DNA position 2644, G replaced by A.
Protein change: p.Gly882Arg; replaces glycine 882 with arginine.
Molecular consequence: missense variant.
Genome position (GRCh38, 1-based): chr12:8,854,181, G>A. VCF-style: chr12-8854181-G-A. GRCh37 (hg19) VCF-style: chr12-9006777-G-A.
Other names: c.1171G>A, p.Gly391Arg (NM_001282424.3); short protein forms G882R, G391R.
Identifiers: ClinVar variation 1794229 (VCV001794229.2), dbSNP rs1400245028, ClinGen allele CA383834722.